The following is an entry in ClinVar:

NM_002047.4(GARS1):c.1828G>A (p.Val610Ile)

Gene: GARS1 (glycyl-tRNA synthetase 1; plus strand). Cytogenetic location: 7p14.3.
Variant type: single nucleotide variant.
Coding change: c.1828G>A on transcript NM_002047.4 (MANE Select); coding-DNA position 1828, G replaced by A.
Protein change: p.Val610Ile; replaces valine 610 with isoleucine.
Molecular consequence: missense variant.
Genome position (GRCh38, 1-based): chr7:30,631,466, G>A. VCF-style: chr7-30631466-G-A. GRCh37 (hg19) VCF-style: chr7-30671082-G-A.
Other names: c.1828G>A (LRG_243t1, NM_002047.3); c.1666G>A, p.Val556Ile (NM_001316772.1); short protein forms V610I, V556I.
Identifiers: ClinVar variation 450493 (VCV000450493.13), dbSNP rs201432170, ClinGen allele CA4206098.

ClinVar aggregate classification (germline): Conflicting classifications of pathogenicity. Review status: criteria provided, conflicting classifications (1 of 4 stars). 4 submissions from 4 submitters: Uncertain significance (2); Likely benign (2). Last evaluated 2025-09-10.

Conditions:
GARS1-related disorder. Also called: GARS1-related condition.
Charcot-Marie-Tooth disease type 2. Also called: Charcot-Marie-Tooth type 2. Identifiers: Orphanet 64746, MedGen C0270914, MONDO:0018993.

Allele frequency attached by ClinVar (database versions not stated): gnomAD exomes 0.00002 and 0.00006; ExAC 0.00003; gnomAD 0.00004; TOPMed 0.00004.
gnomAD v4.1: 45 of 1,613,180 alleles (0.0028%); highest among the groups gnomAD compares: Admixed American, 0.0017%; no homozygotes.

Submissions (4):

PreventionGenetics, part of Exact Sciences
Classification: Likely benign for GARS1-related condition. Last evaluated: 2025-09-10. Review status: criteria provided, single submitter. Criteria: ACMG Guidelines, 2015. Collection method: clinical testing. Allele origin: germline.
Comment: This variant is classified as likely benign based on ACMG/AMP sequence variant interpretation guidelines (Richards et al. 2015 PMID: 25741868, with internal and published modifications).

Labcorp Genetics (formerly Invitae), Labcorp
Classification: Likely benign for Charcot-Marie-Tooth disease type 2. Last evaluated: 2025-04-09. Review status: criteria provided, single submitter. Criteria: Invitae Variant Classification Sherloc (09022015). Collection method: clinical testing. Allele origin: germline.

Ambry Genetics
Classification: Uncertain significance. Last evaluated: 2022-05-31. Review status: criteria provided, single submitter. Criteria: Ambry Variant Classification Scheme 2023. Collection method: clinical testing. Allele origin: germline.
Comment: The p.V610I variant (also known as c.1828G>A), located in coding exon 15 of the GARS gene, results from a G to A substitution at nucleotide position 1828. The valine at codon 610 is replaced by isoleucine, an amino acid with highly similar properties. This amino acid position is not well conserved in available vertebrate species. In addition, this alteration is predicted to be tolerated by in silico analysis. Based on the supporting evidence, this variant is unlikely to be causative of autosomal dominant GARS-associated axonal neuropathy; however, its contribution to the development of autosomal recessive cytoplasmic and mitochondrial glycine-tRNA ligase deficiency is uncertain.

GeneDx
Classification: Uncertain significance. Last evaluated: 2018-02-12. Review status: criteria provided, single submitter. Criteria: GeneDx Variant Classification (06012015). Collection method: clinical testing. Allele origin: germline. Affected: yes.
Comment: A variant of uncertain significance has been identified in the GARS gene. The V610I variant has not been published as a pathogenic variant, nor has it been reported as a benign variant to our knowledge. The V610I variant is observed in 4/66142 (0.01%) alleles from individuals of non-Finnish European background (Lek et al., 2016; 1000 Genomes Consortium et al., 2015; Exome Variant Server). The V610I variant is a conservative amino acid substitution, which is not likely to impact secondary protein structure as these residues share similar properties. This substitution occurs at a position that is not conserved, and in silico analysis predicts this variant likely does not alter the protein structure/function. Based on the currently available information, it is unclear whether this variant is a pathogenic variant or a rare benign variant.